The following is an entry in ClinVar:

ClinVar aggregate classification (germline): Uncertain significance. Review status: criteria provided, multiple submitters, no conflicts (2 of 4 stars). 2 submissions from 2 submitters: Uncertain significance (2). Last evaluated 2024-01-07.

Conditions:
Neuronal ceroid lipofuscinosis 7 (CLN7). Also called: MFSD8-Related Neuronal Ceroid-Lipofuscinosis. Identifiers: Orphanet 168491, Orphanet 228366, MedGen C1838571, MONDO:0012588, OMIM 610951.
Macular dystrophy with central cone involvement (CCMD). Identifiers: MedGen C4015371, MONDO:0014515, OMIM 616170.

Allele frequency attached by ClinVar (database versions not stated): TOPMed below 0.00001; ExAC 0.00002; 1000 Genomes Project 0.00020; 1000 Genomes Project 30x 0.00031.
gnomAD v4.1: 4 of 1,614,038 alleles (0.00025%); highest among the groups gnomAD compares: Admixed American, 0.005%; no homozygotes.

Submissions (2):

Fulgent Genetics
Classification: Uncertain significance for Neuronal ceroid lipofuscinosis 7; Macular dystrophy with central cone involvement. Last evaluated: 2024-01-07. Review status: criteria provided, single submitter. Criteria: ACMG Guidelines, 2015. Collection method: clinical testing. Allele origin: germline.

Labcorp Genetics (formerly Invitae), Labcorp
Classification: Uncertain significance for Neuronal ceroid lipofuscinosis 7. Last evaluated: 2023-11-27. Review status: criteria provided, single submitter. Criteria: Invitae Variant Classification Sherloc (09022015). Collection method: clinical testing. Allele origin: germline.
Comment: This sequence change falls in intron 5 of the MFSD8 gene. It does not directly change the encoded amino acid sequence of the MFSD8 protein. It affects a nucleotide within the consensus splice site. This variant is present in population databases (rs548444219, gnomAD 0.009%). This variant has not been reported in the literature in individuals affected with MFSD8-related conditions. ClinVar contains an entry for this variant (Variation ID: 2068715). Variants that disrupt the consensus splice site are a relatively common cause of aberrant splicing (PMID: 17576681, 9536098). Algorithms developed to predict the effect of sequence changes on RNA splicing suggest that this variant is not likely to affect RNA splicing. In summary, the available evidence is currently insufficient to determine the role of this variant in disease. Therefore, it has been classified as a Variant of Uncertain Significance.

Literature cited by the submitters: PubMed 17576681 (cited by Labcorp Genetics (formerly Invitae), Labcorp); PubMed 9536098 (cited by Labcorp Genetics (formerly Invitae), Labcorp).

NM_001371596.2(MFSD8):c.439+6G>T

Gene: MFSD8 (major facilitator superfamily domain containing 8; minus strand). Cytogenetic location: 4q28.2.
Variant type: single nucleotide variant.
Coding change: c.439+6G>T on transcript NM_001371596.2 (MANE Select); 6 bases into the intron after coding-DNA position 439, G replaced by T.
Molecular consequence: intron variant.
Genome position (GRCh38, 1-based): chr4:127,943,746, C>A on the plus strand (G>T on the coding strand, the complement: MFSD8 is on the minus strand). VCF-style: chr4-127943746-C-A. GRCh37 (hg19) VCF-style: chr4-128864901-C-A.
Other names: c.304+6G>T (NM_001371595.1, NM_001410765.1, NM_001371590.2); c.439+6G>T (NM_152778.4, NM_001363521.3, NM_001410766.1 and 6 more transcripts).
Identifiers: ClinVar variation 2068715 (VCV002068715.3), dbSNP rs548444219, ClinGen allele CA3077477.